The following is an entry in ClinVar:

ClinVar aggregate classification (germline): Uncertain significance (1 of 4 stars; one submission).

Submission:

Mayo Clinic Laboratories, Mayo Clinic
Classification: Uncertain significance. Last evaluated: 2025-09-24. Review status: criteria provided, single submitter. Criteria: ACMG Guidelines, 2015. Collection method: clinical testing. Allele origin: germline. Observed: 1 variant allele.
Comment: PP3_moderate, PM2_supporting

NM_000158.4(GBE1):c.1289G>A (p.Gly430Asp)

Gene: GBE1 (1,4-alpha-glucan branching enzyme 1; minus strand). Cytogenetic location: 3p12.2.
Variant type: single nucleotide variant.
Coding change: c.1289G>A on transcript NM_000158.4 (MANE Select); coding-DNA position 1289, G replaced by A.
Protein change: p.Gly430Asp; replaces glycine 430 with aspartic acid.
Molecular consequence: missense variant.
Genome position (GRCh38, 1-based): chr3:81,586,138, C>T on the plus strand (G>A on the coding strand, the complement: GBE1 is on the minus strand). VCF-style: chr3-81586138-C-T. GRCh37 (hg19) VCF-style: chr3-81635289-C-T.
Other names: p.Gly430Asp; short protein forms G430D.
Identifiers: ClinVar variation 4540895 (VCV004540895.1).